The following is an entry in ClinVar:

NM_000321.3(RB1):c.2522C>G (p.Thr841Ser)

Gene: RB1 (RB transcriptional corepressor 1; plus strand). Cytogenetic location: 13q14.2.
Variant type: single nucleotide variant.
Coding change: c.2522C>G on transcript NM_000321.3 (MANE Select); coding-DNA position 2522, C replaced by G.
Protein change: p.Thr841Ser; replaces threonine 841 with serine.
Molecular consequence: missense variant.
Genome position (GRCh38, 1-based): chr13:48,476,702, C>G. VCF-style: chr13-48476702-C-G. GRCh37 (hg19) VCF-style: chr13-49050838-C-G.
Other names: c.2522C>G, p.Thr841Ser (NM_001407165.1); c.-29C>G (NM_001407168.1); short protein forms T841S.
Identifiers: ClinVar variation 2001614 (VCV002001614.4), dbSNP rs1358216534, ClinGen allele CA388168182.

ClinVar aggregate classification (germline): Uncertain significance (1 of 4 stars; one submission).

Conditions:
Retinoblastoma (RB1). Also called: RETINOBLASTOMA, SOMATIC. Identifiers: Orphanet 790, MedGen C0035335, MeSH D012175, MONDO:0008380, OMIM 180200, HP:0009919. Disease mechanism: loss of function. Inheritance: Both sporadic and heritable forms are tested..

Submission:

Labcorp Genetics (formerly Invitae), Labcorp
Classification: Uncertain significance for Retinoblastoma. Last evaluated: 2022-06-01. Review status: criteria provided, single submitter. Criteria: Invitae Variant Classification Sherloc (09022015). Collection method: clinical testing. Allele origin: germline.
Comment: This sequence change replaces threonine, which is neutral and polar, with serine, which is neutral and polar, at codon 841 of the RB1 protein (p.Thr841Ser). This variant is not present in population databases (gnomAD no frequency). This variant has not been reported in the literature in individuals affected with RB1-related conditions. Algorithms developed to predict the effect of missense changes on protein structure and function (SIFT, PolyPhen-2, Align-GVGD) all suggest that this variant is likely to be tolerated. In summary, the available evidence is currently insufficient to determine the role of this variant in disease. Therefore, it has been classified as a Variant of Uncertain Significance.